The following is an entry in ClinVar:

NM_001099271.2(POC5):c.589A>G (p.Lys197Glu)

Gene: POC5 (POC5 centriolar protein; minus strand). Cytogenetic location: 5q13.3.
Variant type: single nucleotide variant.
Coding change: c.589A>G on transcript NM_001099271.2 (MANE Select); coding-DNA position 589, A replaced by G.
Protein change: p.Lys197Glu; replaces lysine 197 with glutamic acid.
Molecular consequence: missense variant.
Genome position (GRCh38, 1-based): chr5:75,694,756, T>C on the plus strand (A>G on the coding strand, the complement: POC5 is on the minus strand). VCF-style: chr5-75694756-T-C. GRCh37 (hg19) VCF-style: chr5-74990581-T-C.
Other names: c.514A>G, p.Lys172Glu (NM_152408.3); short protein forms K172E, K197E.
Identifiers: ClinVar variation 3729676 (VCV003729676.2).
Genomic context (GRCh38, chr5:75,694,756, plus strand): 5'-GCTCCTTCAATTCATTGATCTGATTACACAGTTGTTTTAAATGTGCTGCATGTTTTTCTT[T>C]CTCTTTTCTCATTTCCATTCGGTGCCAGTCAATAAAATTAAGTCTCCATTTACTTAGTTC-3'
Protein context (NP_001092741.1, residues 187-207): DWHRMEMRKE[Lys197Glu]EKHAAHLKQL

ClinVar aggregate classification (germline): Uncertain significance (1 of 4 stars; one submission).

gnomAD v4.1: 1 of 1,591,292 alleles (0.000063%); highest among the groups gnomAD compares: Admixed American, 0.0017%; no homozygotes.

Submission:

Labcorp Genetics (formerly Invitae), Labcorp
Classification: Uncertain significance. Last evaluated: 2025-05-05. Review status: criteria provided, single submitter. Criteria: Invitae Variant Classification Sherloc (09022015). Collection method: clinical testing. Allele origin: germline.
Comment: This sequence change replaces lysine, which is basic and polar, with glutamic acid, which is acidic and polar, at codon 197 of the POC5 protein (p.Lys197Glu). This variant is present in population databases (rs768876452, gnomAD 0.003%). This variant has not been reported in the literature in individuals affected with POC5-related conditions. ClinVar contains an entry for this variant (Variation ID: 3729676). An algorithm developed to predict the effect of missense changes on protein structure and function (PolyPhen-2) suggests that this variant is likely to be tolerated. In summary, the available evidence is currently insufficient to determine the role of this variant in disease. Therefore, it has been classified as a Variant of Uncertain Significance.